The following is an entry in ClinVar:

NM_032638.5(GATA2):c.539A>C (p.Glu180Ala)

Gene: GATA2 (GATA binding protein 2; minus strand). Cytogenetic location: 3q21.3.
Variant type: single nucleotide variant.
Coding change: c.539A>C on transcript NM_032638.5 (MANE Select); coding-DNA position 539, A replaced by C.
Protein change: p.Glu180Ala; replaces glutamic acid 180 with alanine.
Molecular consequence: missense variant.
Genome position (GRCh38, 1-based): chr3:128,486,059, T>G on the plus strand (A>C on the coding strand, the complement: GATA2 is on the minus strand). VCF-style: chr3-128486059-T-G. GRCh37 (hg19) VCF-style: chr3-128204902-T-G.
Other names: c.539A>C, p.Glu180Ala (NM_001145661.2, NM_001145662.1); short protein forms E180A.
Identifiers: ClinVar variation 663853 (VCV000663853.10), dbSNP rs1028518743, ClinGen allele CA83371931.

ClinVar aggregate classification (germline): Uncertain significance. Review status: criteria provided, multiple submitters, no conflicts (2 of 4 stars). 3 submissions from 3 submitters: Uncertain significance (3). Last evaluated 2025-06-14.

Conditions:
Deafness-lymphedema-leukemia syndrome. Also called: Lymphedema, primary, with myelodysplasia; Emberger syndrome. Identifiers: Orphanet 3226, MedGen C3279664, MONDO:0013540, OMIM 614038.
Monocytopenia with susceptibility to infections. Also called: IMMUNODEFICIENCY 21; GATA2 DEFICIENCY; MONOCYTOPENIA AND MYCOBACTERIAL INFECTION SYNDROME; MONOCYTOPENIA WITH SUSCEPTIBILITY TO MYCOBACTERIAL, FUNGAL, AND PAPILLOMAVIRUS INFECTIONS AND MYELODYSPLASIA; COMBINED IMMUNODEFICIENCY WITH SUSCEPTIBILITY TO MYCOBACTERIAL, VIRAL, AND FUNGAL INFECTIONS; Dendritic cell, monocyte, B lymphocyte, and natural killer lymphocyte deficiency. Identifiers: Orphanet 228423, MedGen C3280030, MONDO:0013607, OMIM 614172.
Acute myeloid leukemia (AML). Also called: Acute myeloid leukemia, adult; AML adult; Acute non-lymphocytic leukemia; Acute granulocytic leukemia; Leukemia, acute myeloid, somatic; Leukemia, acute myelogenous, somatic. Identifiers: Orphanet 519, MedGen C0023467, MeSH D015470, MONDO:0018874, OMIM 601626, HP:0004808. Disease mechanism: Constitutively activated FLT3.
Inborn genetic diseases. Identifiers: MedGen C0950123, MeSH D030342.

Allele frequency attached by ClinVar (database versions not stated): TOPMed below 0.00001.

Submissions (3):

Labcorp Genetics (formerly Invitae), Labcorp
Classification: Uncertain significance for Monocytopenia with susceptibility to infections; Deafness-lymphedema-leukemia syndrome. Last evaluated: 2025-06-14. Review status: criteria provided, single submitter. Criteria: Invitae Variant Classification Sherloc (09022015). Collection method: clinical testing. Allele origin: germline.
Comment: This sequence change replaces glutamic acid, which is acidic and polar, with alanine, which is neutral and non-polar, at codon 180 of the GATA2 protein (p.Glu180Ala). This variant is not present in population databases (gnomAD no frequency). This variant has not been reported in the literature in individuals affected with GATA2-related conditions. ClinVar contains an entry for this variant (Variation ID: 663853). Invitae Evidence Modeling of protein sequence and biophysical properties (such as structural, functional, and spatial information, amino acid conservation, physicochemical variation, residue mobility, and thermodynamic stability) has been performed for this missense variant. However, the output from this modeling did not meet the statistical confidence thresholds required to predict the impact of this variant on GATA2 protein function. In summary, the available evidence is currently insufficient to determine the role of this variant in disease. Therefore, it has been classified as a Variant of Uncertain Significance.

Ambry Genetics
Classification: Uncertain significance for Inborn genetic diseases. Last evaluated: 2025-03-06. Review status: criteria provided, single submitter. Criteria: Ambry Variant Classification Scheme 2023. Collection method: clinical testing. Allele origin: germline.
Comment: The p.E180A variant (also known as c.539A>C), located in coding exon 2 of the GATA2 gene, results from an A to C substitution at nucleotide position 539. The glutamic acid at codon 180 is replaced by alanine, an amino acid with dissimilar properties. This amino acid position is not well conserved in available vertebrate species. In addition, the in silico prediction for this alteration is inconclusive. Based on the available evidence, the clinical significance of this variant remains unclear.

Baylor Genetics
Classification: Uncertain significance for Acute myeloid leukemia. Last evaluated: 2023-11-02. Review status: criteria provided, single submitter. Criteria: ACMG Guidelines, 2015. Collection method: clinical testing. Allele origin: unknown.